The following is an entry in ClinVar:

ClinVar aggregate classification (germline): Uncertain significance (1 of 4 stars; one submission).

Conditions:
Hereditary cancer-predisposing syndrome. Also called: Hereditary neoplastic syndrome; Neoplastic Syndromes, Hereditary; Tumor predisposition; Hereditary Cancer Syndrome. Identifiers: Orphanet 140162, MedGen C0027672, MeSH D009386, MONDO:0015356.

Submissions (2):

Ambry Genetics
Classification: Uncertain significance for Hereditary cancer-predisposing syndrome. Last evaluated: 2025-07-01. Review status: criteria provided, single submitter. Criteria: Ambry Variant Classification Scheme 2023. Collection method: clinical testing. Allele origin: germline.
Comment: The p.G151S variant (also known as c.451G>A), located in coding exon 5 of the NF2 gene, results from a G to A substitution at nucleotide position 451. The glycine at codon 151 is replaced by serine, an amino acid with similar properties. This amino acid position is conserved. In addition, this alteration is predicted to be deleterious by in silico analysis. Based on the available evidence, the clinical significance of this variant remains unclear.

Dr. Peter K. Rogan Lab, Western University
No classification provided (evidence only). Condition: Ovarian serous cystadenocarcinoma. Review status: no classification provided. Collection method: in vitro. Allele origin: not applicable. Functional consequence: retained intron. Not counted in ClinVar's aggregate classification.

NM_000268.4(NF2):c.451G>A (p.Gly151Ser)

Gene: NF2 (NF2, moesin-ezrin-radixin like (MERLIN) tumor suppressor; plus strand). Cytogenetic location: 22q12.2.
Variant type: single nucleotide variant.
Coding change: c.451G>A on transcript NM_000268.4 (MANE Select); coding-DNA position 451, G replaced by A.
Protein change: p.Gly151Ser; replaces glycine 151 with serine.
Molecular consequence: missense variant. On other transcripts: 5 prime UTR variant (1), intron variant (1).
Genome position (GRCh38, 1-based): chr22:29,654,660, G>A. VCF-style: chr22-29654660-G-A. GRCh37 (hg19) VCF-style: chr22-30050649-G-A.
Other names: NC_000022.10:g.30050649G>A; c.-190G>A (NM_001407065.1); c.451G>A, p.Gly151Ser (NM_001407066.1, NM_016418.5, NM_181825.3 and 4 more transcripts); c.220G>A, p.Gly74Ser (NM_001407067.1); c.325G>A, p.Gly109Ser (NM_181828.3, NM_001407055.1); c.328G>A, p.Gly110Ser (NM_181829.3, NM_001407058.1, NM_001407062.1 and 1 more transcripts); c.202G>A, p.Gly68Ser (NM_181830.3, NM_181831.3, NM_001407063.1 and 1 more transcripts); c.447+12375G>A (NM_181833.3); and 1 more; short protein forms G109S, G110S, G113S, G151S, G68S, G74S.
Identifiers: ClinVar variation 4119207 (VCV004119207.2).